The following is an entry in ClinVar:

ClinVar aggregate classification (germline): Uncertain significance (1 of 4 stars; one submission).

Allele frequency attached by ClinVar (database versions not stated): gnomAD exomes below 0.00001 and 0.00001; TOPMed below 0.00001; gnomAD 0.00001.
gnomAD v4.1: 11 of 1,613,324 alleles (0.00068%); highest among the groups gnomAD compares: Non-Finnish European, 0.000085%; no homozygotes.

Submission:

Labcorp Genetics (formerly Invitae), Labcorp
Classification: Uncertain significance. Last evaluated: 2021-04-16. Review status: criteria provided, single submitter. Criteria: Invitae Variant Classification Sherloc (09022015). Collection method: clinical testing. Allele origin: germline.
Comment: In summary, the available evidence is currently insufficient to determine the role of this variant in disease. Therefore, it has been classified as a Variant of Uncertain Significance. Algorithms developed to predict the effect of missense changes on protein structure and function are either unavailable or do not agree on the potential impact of this missense change (SIFT: "Tolerated"; PolyPhen-2: "Probably Damaging"; Align-GVGD: "Class C0"). This variant has not been reported in the literature in individuals with TFAP2A-related conditions. This variant is not present in population databases (ExAC no frequency). This sequence change replaces proline with serine at codon 38 of the TFAP2A protein (p.Pro38Ser). The proline residue is highly conserved and there is a moderate physicochemical difference between proline and serine.

NM_001372066.1(TFAP2A):c.118C>T (p.Pro40Ser)

Gene: TFAP2A (transcription factor AP-2 alpha; minus strand). Cytogenetic location: 6p24.3.
Variant type: single nucleotide variant.
Coding change: c.118C>T on transcript NM_001372066.1 (MANE Select); coding-DNA position 118, C replaced by T.
Protein change: p.Pro40Ser; replaces proline 40 with serine.
Molecular consequence: missense variant.
Genome position (GRCh38, 1-based): chr6:10,410,269, G>A on the plus strand (C>T on the coding strand, the complement: TFAP2A is on the minus strand). VCF-style: chr6-10410269-G-A. GRCh37 (hg19) VCF-style: chr6-10410502-G-A.
Other names: c.94C>T, p.Pro32Ser (NM_001032280.3); c.100C>T, p.Pro34Ser (NM_001042425.3); short protein forms P32S, P34S, P40S.
Identifiers: ClinVar variation 1407482 (VCV001407482.8), dbSNP rs1324911573, ClinGen allele CA362705259.